The following is an entry in ClinVar:

ClinVar aggregate classification (germline): Uncertain significance (1 of 4 stars; one submission).

Conditions:
Nemaline myopathy 9 (NEM9). Identifiers: MedGen C3810384, MONDO:0014326, OMIM 615731.

Allele frequency attached by ClinVar (database versions not stated): gnomAD exomes below 0.00001.

Submission:

Labcorp Genetics (formerly Invitae), Labcorp
Classification: Uncertain significance for Nemaline myopathy 9. Last evaluated: 2022-06-13. Review status: criteria provided, single submitter. Criteria: Invitae Variant Classification Sherloc (09022015). Collection method: clinical testing. Allele origin: germline.
Comment: In summary, the available evidence is currently insufficient to determine the role of this variant in disease. Therefore, it has been classified as a Variant of Uncertain Significance. Algorithms developed to predict the effect of missense changes on protein structure and function are either unavailable or do not agree on the potential impact of this missense change (SIFT: "Deleterious"; PolyPhen-2: "Benign"; Align-GVGD: "Class C15"). This variant has not been reported in the literature in individuals affected with KLHL41-related conditions. This variant is not present in population databases (gnomAD no frequency). This sequence change replaces aspartic acid, which is acidic and polar, with asparagine, which is neutral and polar, at codon 311 of the KLHL41 protein (p.Asp311Asn).

NM_006063.3(KLHL41):c.931G>A (p.Asp311Asn)

Gene: KLHL41 (kelch like family member 41; plus strand). Cytogenetic location: 2q31.1.
Variant type: single nucleotide variant.
Coding change: c.931G>A on transcript NM_006063.3 (MANE Select); coding-DNA position 931, G replaced by A.
Protein change: p.Asp311Asn; replaces aspartic acid 311 with asparagine.
Molecular consequence: missense variant.
Genome position (GRCh38, 1-based): chr2:169,510,709, G>A. VCF-style: chr2-169510709-G-A. GRCh37 (hg19) VCF-style: chr2-170367219-G-A.
Other names: short protein forms D311N.
Identifiers: ClinVar variation 2005402 (VCV002005402.4), dbSNP rs2468055702, ClinGen allele CA349177186.